The following is an entry in ClinVar:

NM_003640.5(ELP1):c.741-1G>C

Gene: ELP1 (elongator acetyltransferase complex subunit 1; minus strand). Cytogenetic location: 9q31.3.
Variant type: single nucleotide variant.
Coding change: c.741-1G>C on transcript NM_003640.5 (MANE Select); the canonical splice acceptor site of the intron before coding-DNA position 741, G replaced by C.
Molecular consequence: splice acceptor variant.
Genome position (GRCh38, 1-based): chr9:108,917,671, C>G on the plus strand (G>C on the coding strand, the complement: ELP1 is on the minus strand). VCF-style: chr9-108917671-C-G. GRCh37 (hg19) VCF-style: chr9-111679951-C-G.
Other names: c.399-1G>C (NM_001318360.2); c.-307-1G>C (NM_001330749.2).
Identifiers: ClinVar variation 4067303 (VCV004067303.2).

ClinVar aggregate classification (germline): Likely pathogenic (1 of 4 stars; one submission).

Conditions:
Familial dysautonomia. Also called: FD; HSAN III. Identifiers: Orphanet 1764, MedGen C0013364, MONDO:0009131, OMIM 223900. Disease mechanism: loss of function.

Submission:

Natera, Inc.
Classification: Likely pathogenic for Familial dysautonomia. Last evaluated: 2025-02-16. Review status: criteria provided, single submitter. Criteria: Natera Variant Classification Schema (03/2026). Collection method: clinical testing. Allele origin: germline.
Comment: The c.741-1G>C variant in ELP1 is a canonical splice acceptor site variant predicted to affect pre-mRNA splicing, which may result in an abnormal transcript and altered protein product. This variant is expected to result in nonsense mediated decay, truncation, or a dysfunctional protein product. This variant is rare in the general population with a frequency below the threshold expected for the associated phenotype(s). Given the available evidence, this variant is classified as Likely Pathogenic.